The following is an entry in ClinVar:

ClinVar aggregate classification (germline): Uncertain significance. Review status: criteria provided, multiple submitters, no conflicts (2 of 4 stars). 2 submissions from 2 submitters: Uncertain significance (2). Last evaluated 2025-07-28.

Conditions:
Pancreatic adenocarcinoma. Identifiers: MedGen C0281361, MONDO:0006047, HP:0006725.

Submissions (2):

Labcorp Genetics (formerly Invitae), Labcorp
Classification: Uncertain significance for Pancreatic adenocarcinoma. Last evaluated: 2025-07-28. Review status: criteria provided, single submitter. Criteria: Invitae Variant Classification Sherloc (09022015). Collection method: clinical testing. Allele origin: germline.
Comment: This variant, c.330_338dup, results in the insertion of 3 amino acid(s) of the PALLD protein (p.Pro114_Pro116dup), but otherwise preserves the integrity of the reading frame. This variant is present in population databases (rs748729107, gnomAD 0.06%), and has an allele count higher than expected for a pathogenic variant. This variant has not been reported in the literature in individuals affected with PALLD-related conditions. Experimental studies and prediction algorithms are not available or were not evaluated, and the functional significance of this variant is currently unknown. In summary, the available evidence is currently insufficient to determine the role of this variant in disease. Therefore, it has been classified as a Variant of Uncertain Significance.

Ambry Genetics
Classification: Uncertain significance. Last evaluated: 2025-01-08. Review status: criteria provided, single submitter. Criteria: Ambry Variant Classification Scheme 2023. Collection method: clinical testing. Allele origin: germline.
Comment: The c.330_338dupGCCGCCGCC variant (also known as p.P114_P116dup), located in coding exon 1 of the PALLD gene, results from an in-frame duplication of GCCGCCGCC at nucleotide positions 330 to 338. This results in the duplication of 3 extra residues (PPP) between codons 114 and 116. This amino acid region is well conserved in available vertebrate species. In addition, this alteration is predicted to be neutral by in silico analysis (Choi Y et al. PLoS ONE. 2012; 7(10):e46688). The evidence for this gene-disease relationship is limited; therefore, the clinical significance of this alteration is unclear.

NM_001166108.2(PALLD):c.1965-12701GCC[6]

Gene: PALLD (palladin, cytoskeletal associated protein; plus strand). Cytogenetic location: 4q32.3.
Variant type: Microsatellite.
Coding change: c.1965-12701GCC[6] on transcript NM_001166108.2 (MANE Select); six copies in a row of the 3-base unit GCC starting at c.1965-12701; the reference has three copies in a row; three copies, 9 bases duplicated.
Molecular consequence: intron variant. On other transcripts: inframe insertion (1).
Genome position (GRCh38, 1-based): chr4:168,878,221-168,878,229, GCCGCCGCC duplicated. VCF-style (leftmost placement, unchanged base first): chr4-168878220-T-TGCCGCCGCC. GRCh37 (hg19) VCF-style: chr4-169799371-T-TGCCGCCGCC.
Other names: c.330GCC[6], p.Pro114_Pro116dup (NM_001166110.2); c.1965-12701GCC[6] (NM_016081.4); c.819-12701GCC[6] (NM_001166109.2); c.-157-12701GCC[6] (NM_001367570.1, NM_001367568.1, NM_001367567.1 and 1 more transcripts); c.330_338dupGCCGCCGCC (NM_001166110.1).
Identifiers: ClinVar variation 1036354 (VCV001036354.9), dbSNP rs748729107, ClinGen allele CA3135777.
Genomic context (GRCh38, chr4:168,878,220, plus strand): 5'-CCCCGCCACCCCCGGTCTTCAGCCCCACGGCTGCCTTCCCGGTGCCCGACGTGTTCCCAC[T>TGCCGCCGCC]GCCGCCGCCACCACCGCCGCTCCCGAGCCCGGGACAGGCGTCCCACTGCTCGTCGCCTGC-3'